The following is an entry in ClinVar:

ClinVar aggregate classification (germline): Uncertain significance (1 of 4 stars; one submission).

Allele frequency attached by ClinVar (database versions not stated): ExAC 0.00001; gnomAD 0.00001; gnomAD exomes 0.00001.
gnomAD v4.1: 25 of 1,614,048 alleles (0.0015%); highest among the groups gnomAD compares: South Asian, 0.0033%; no homozygotes.

Submission:

Labcorp Genetics (formerly Invitae), Labcorp
Classification: Uncertain significance. Last evaluated: 2025-06-08. Review status: criteria provided, single submitter. Criteria: Invitae Variant Classification Sherloc (09022015). Collection method: clinical testing. Allele origin: germline.
Comment: This sequence change replaces arginine, which is basic and polar, with glutamine, which is neutral and polar, at codon 57 of the ANG protein (p.Arg57Gln). This variant is present in population databases (rs770840869, gnomAD 0.003%). This variant has not been reported in the literature in individuals affected with ANG-related conditions. ClinVar contains an entry for this variant (Variation ID: 1428243). An algorithm developed to predict the effect of missense changes on protein structure and function (PolyPhen-2) suggests that this variant is likely to be disruptive. In summary, the available evidence is currently insufficient to determine the role of this variant in disease. Therefore, it has been classified as a Variant of Uncertain Significance.

NM_001097577.3(ANG):c.170G>A (p.Arg57Gln)

Genes: ANG (angiogenin; plus strand), EGILA (EGFR interacting lncRNA; minus strand), RNASE4 (ribonuclease A family member 4; plus strand). Cytogenetic location: 14q11.2.
Variant type: single nucleotide variant.
Coding change: c.170G>A on transcript NM_001097577.3 (MANE Select); coding-DNA position 170, G replaced by A.
Protein change: p.Arg57Gln; replaces arginine 57 with glutamine.
Molecular consequence: missense variant. On other transcripts: non-coding transcript variant (1), intron variant (4).
Genome position (GRCh38, 1-based): chr14:20,693,734, G>A. VCF-style: chr14-20693734-G-A. GRCh37 (hg19) VCF-style: chr14-21161893-G-A.
Other names: c.170G>A, p.Arg57Gln (NM_001145.4, NM_001385271.1, NM_001385272.1 and 2 more transcripts); c.-18+84G>A (NM_001282192.2); c.-17-5621G>A (NM_002937.5, NM_001282193.2); c.-18+4860G>A (NM_194431.3); short protein forms R57Q.
Identifiers: ClinVar variation 1428243 (VCV001428243.6), dbSNP rs770840869, ClinGen allele CA7083151.